The following is an entry in ClinVar:

NM_001378964.1(CDON):c.1851+14G>A

Gene: CDON (cell adhesion associated, oncogene regulated; minus strand). Cytogenetic location: 11q24.2.
Variant type: single nucleotide variant.
Coding change: c.1851+14G>A on transcript NM_001378964.1 (MANE Select); 14 bases into the intron after coding-DNA position 1851, G replaced by A.
Molecular consequence: intron variant.
Genome position (GRCh38, 1-based): chr11:126,005,745, C>T on the plus strand (G>A on the coding strand, the complement: CDON is on the minus strand). VCF-style: chr11-126005745-C-T. GRCh37 (hg19) VCF-style: chr11-125875640-C-T.
Other names: c.1851+14G>A (NM_001441166.1, NM_016952.6, NM_001243597.3 and 5 more transcripts).
Identifiers: ClinVar variation 303509 (VCV000303509.20), dbSNP rs113328989, ClinGen allele CA6351933.
Genomic context (GRCh38, chr11:126,005,745, plus strand): 5'-AAAGGCAACAGTATATGTTATACAAAGAACGTTCAGGTGTGAGCCGAGAAAGATGATAAA[C>T]GACAAGACATTACCTTTCGATACTTCACAAAGTAAGCATTGATGGGCAGCCCACCATCCT-3'

ClinVar aggregate classification (germline): Benign/Likely benign. Review status: criteria provided, multiple submitters, no conflicts (2 of 4 stars). 6 submissions from 6 submitters: Benign (5); Likely benign (1). Last evaluated 2026-01-19.

Conditions:
Holoprosencephaly 11 (HPE11). Identifiers: Orphanet 2162, MedGen C3280215, MONDO:0013642, OMIM 614226.

Allele frequency attached by ClinVar (database versions not stated): gnomAD exomes 0.00220 and 0.00572; ExAC 0.00714; gnomAD 0.02178 and 0.02329; TOPMed 0.02372; 1000 Genomes Project 0.02396; 1000 Genomes Project 30x 0.02592; ESP Exome Variant Server 0.02631.
gnomAD v4.1: 6,590 of 1,611,292 alleles (0.41%); highest among the groups gnomAD compares: African/African-American, 7.8%; 268 homozygotes.

Submissions (6):

Labcorp Genetics (formerly Invitae), Labcorp
Classification: Benign for Holoprosencephaly 11. Last evaluated: 2026-01-19. Review status: criteria provided, single submitter. Criteria: Invitae Variant Classification Sherloc (09022015). Collection method: clinical testing. Allele origin: germline.

ARUP Laboratories, Molecular Genetics and Genomics, ARUP Laboratories
Classification: Benign for Holoprosencephaly 11. Last evaluated: 2023-09-21. Review status: criteria provided, single submitter. Criteria: ARUP Molecular Germline Variant Investigation Process 2024. Collection method: clinical testing. Allele origin: germline.

Fulgent Genetics
Classification: Likely benign for Holoprosencephaly 11. Last evaluated: 2022-05-11. Review status: criteria provided, single submitter. Criteria: ACMG Guidelines, 2015. Collection method: clinical testing. Allele origin: unknown.

GeneDx
Classification: Benign. Last evaluated: 2019-05-26. Review status: criteria provided, single submitter. Criteria: GeneDx Variant Classification Process June 2021. Collection method: clinical testing. Allele origin: germline. Affected: yes.

Illumina Laboratory Services, Illumina
Classification: Benign for Holoprosencephaly 11. Last evaluated: 2018-01-13. Review status: criteria provided, single submitter. Criteria: ICSL Variant Classification Criteria 13 December 2019. Collection method: clinical testing. Allele origin: germline.
Comment: This variant was observed in the ICSL laboratory as part of a predisposition screen in an ostensibly healthy population. It had not been previously curated by ICSL or reported in the Human Gene Mutation Database (HGMD: prior to June 1st, 2018), and was therefore a candidate for classification through an automated scoring system. Utilizing variant allele frequency, disease prevalence and penetrance estimates, and inheritance mode, an automated score was calculated to assess if this variant is too frequent to cause the disease. Based on the score and internal cut-off values, a variant classified as benign is not then subjected to further curation. The score for this variant resulted in a classification of benign for this disease.

Breakthrough Genomics
Classification: Benign. Review status: criteria provided, single submitter. Criteria: ACMG Guidelines, 2015. Collection method: not provided. Allele origin: germline. Inheritance: Autosomal dominant inheritance. Affected: yes.